The following is an entry in ClinVar:

ClinVar aggregate classification (germline): Benign (1 of 4 stars; one submission).

Conditions:
Familial adenomatous polyposis 1 (FAP1). Also called: FAMILIAL ADENOMATOUS POLYPOSIS 1, ATTENUATED; POLYPOSIS, ADENOMATOUS INTESTINAL. Identifiers: MedGen C2713442, MONDO:0021056, OMIM 175100. Disease mechanism: loss of function.

Submission:

Myriad Genetics, Inc.
Classification: Benign for Familial adenomatous polyposis 1. Last evaluated: 2024-04-04. Review status: criteria provided, single submitter. Criteria: Myriad Autosomal Dominant, Autosomal Recessive and X-Linked Classification Criteria (2023). Collection method: clinical testing. Allele origin: unknown.
Comment: This variant is considered benign. This variant is a silent/synonymous amino acid change and it is not expected to impact splicing.

NM_000038.6(APC):c.6501T>A (p.Ile2167=)

Gene: APC (APC regulator of Wnt signaling pathway; plus strand). Cytogenetic location: 5q22.2.
Variant type: single nucleotide variant.
Coding change: c.6501T>A on transcript NM_000038.6 (MANE Select); coding-DNA position 6501, T replaced by A.
Protein change: p.Ile2167=; no amino-acid change (isoleucine 2167 retained).
Molecular consequence: synonymous variant. On other transcripts: non-coding transcript variant (2).
Genome position (GRCh38, 1-based): chr5:112,842,095, T>A. VCF-style: chr5-112842095-T-A. GRCh37 (hg19) VCF-style: chr5-112177792-T-A.
Other names: c.6501T>A, p.Ile2167= (NM_001127510.3, NM_001354895.2, NM_001407450.1); c.6447T>A, p.Ile2149= (NM_001127511.3); c.6555T>A, p.Ile2185= (NM_001354896.2, NM_001407447.1, NM_001407448.1 and 1 more transcripts); c.6531T>A, p.Ile2177= (NM_001354897.2); c.6426T>A, p.Ile2142= (NM_001354898.2); c.6417T>A, p.Ile2139= (NM_001354899.2); c.6378T>A, p.Ile2126= (NM_001354900.2); c.6324T>A, p.Ile2108= (NM_001354901.2, NM_001407453.1); and 11 more.
Identifiers: ClinVar variation 3254208 (VCV003254208.1), dbSNP rs2149966338.